The following is an entry in ClinVar:

NM_000543.5(SMPD1):c.1715_1717del (p.Phe572del)

Gene: SMPD1 (sphingomyelin phosphodiesterase 1; plus strand). Cytogenetic location: 11p15.4.
Variant type: Deletion.
Coding change: c.1715_1717del on transcript NM_000543.5 (MANE Select); coding-DNA positions 1715 to 1717, 3 bases deleted (TCT; older notation c.1715_1717delTCT).
Protein change: p.Phe572del; deletes phenylalanine 572.
Molecular consequence: inframe deletion. On other transcripts: 3 prime UTR variant (1), non-coding transcript variant (2).
Genome position (GRCh38, 1-based): chr11:6,394,426-6,394,428, TCT deleted; deleting any 3 consecutive bases within chr11:6,394,424-6,394,428 gives the same sequence; the c. name uses the placement nearest the transcript's 3' end. VCF-style (leftmost placement, unchanged base first): chr11-6394423-CCTT-C. GRCh37 (hg19) VCF-style: chr11-6415653-CCTT-C.
Other names: c.1712_1714del, p.Phe571del (NM_001007593.3); c.*208_*210del (NM_001318087.2); c.794_796del, p.Phe265del (NM_001318088.2); c.1583_1585del, p.Phe528del (NM_001365135.2); short protein forms F265del, F528del, F572del, F571del.
Identifiers: ClinVar variation 2270234 (VCV002270234.2), dbSNP rs1564927831, ClinGen allele CA597438206.

ClinVar aggregate classification (germline): Uncertain significance (1 of 4 stars; one submission).

Conditions:
Inborn genetic diseases. Identifiers: MedGen C0950123, MeSH D030342.

Submission:

Ambry Genetics
Classification: Uncertain significance for Inborn genetic diseases. Last evaluated: 2022-02-26. Review status: criteria provided, single submitter. Criteria: Ambry Variant Classification Scheme 2023. Collection method: clinical testing. Allele origin: germline.
Comment: The c.1715_1717delTCT (p.F572del) alteration is located in exon 6 (coding exon 6) of the SMPD1 gene. This alteration consists of an in-frame deletion of 3 nucleotides between nucleotide positions c.1715 and c.1717, resulting in the deletion of <NA> residues. Based on insufficient or conflicting evidence, the clinical significance of this alteration remains unclear.